The following is an entry in ClinVar:

ClinVar aggregate classification (germline): Likely benign (0 of 4 stars; one submission).

Conditions:
ZFP36L2-related disorder. Also called: ZFP36L2-related condition.

Allele frequency attached by ClinVar (database versions not stated): ExAC 0.00001.

Submission:

PreventionGenetics, part of Exact Sciences
Classification: Likely benign for ZFP36L2-related condition. Last evaluated: 2019-02-28. Review status: no assertion criteria provided. Collection method: clinical testing. Allele origin: germline.
Comment: This variant is classified as likely benign based on ACMG/AMP sequence variant interpretation guidelines (Richards et al. 2015 PMID: 25741868, with internal and published modifications).

NM_006887.5(ZFP36L2):c.531G>T (p.Ala177=)

Gene: ZFP36L2 (ZFP36 ring finger protein like 2; minus strand). Cytogenetic location: 2p21.
Variant type: single nucleotide variant.
Coding change: c.531G>T on transcript NM_006887.5 (MANE Select); coding-DNA position 531, G replaced by T.
Protein change: p.Ala177=; no amino-acid change (alanine 177 retained).
Molecular consequence: synonymous variant.
Genome position (GRCh38, 1-based): chr2:43,225,273, C>A on the plus strand (G>T on the coding strand, the complement: ZFP36L2 is on the minus strand). VCF-style: chr2-43225273-C-A. GRCh37 (hg19) VCF-style: chr2-43452412-C-A.
Identifiers: ClinVar variation 3057271 (VCV003057271.2), dbSNP rs752046397, ClinGen allele CA1631539.